The following is an entry in ClinVar:

ClinVar aggregate classification (germline): Uncertain significance (1 of 4 stars; one submission).

Allele frequency attached by ClinVar (database versions not stated): gnomAD exomes below 0.00001; TOPMed below 0.00001.

Submission:

Labcorp Genetics (formerly Invitae), Labcorp
Classification: Uncertain significance. Last evaluated: 2024-01-02. Review status: criteria provided, single submitter. Criteria: Invitae Variant Classification Sherloc (09022015). Collection method: clinical testing. Allele origin: germline.
Comment: This sequence change replaces alanine, which is neutral and non-polar, with threonine, which is neutral and polar, at codon 268 of the HMX1 protein (p.Ala268Thr). This variant is not present in population databases (gnomAD no frequency). This variant has not been reported in the literature in individuals affected with HMX1-related conditions. ClinVar contains an entry for this variant (Variation ID: 1519069). Advanced modeling of protein sequence and biophysical properties (such as structural, functional, and spatial information, amino acid conservation, physicochemical variation, residue mobility, and thermodynamic stability) performed at Invitae indicates that this missense variant is not expected to disrupt HMX1 protein function with a negative predictive value of 80%. In summary, the available evidence is currently insufficient to determine the role of this variant in disease. Therefore, it has been classified as a Variant of Uncertain Significance.

NM_018942.3(HMX1):c.802G>A (p.Ala268Thr)

Gene: HMX1 (H6 family homeobox 1; minus strand). Cytogenetic location: 4p16.1.
Variant type: single nucleotide variant.
Coding change: c.802G>A on transcript NM_018942.3 (MANE Select); coding-DNA position 802, G replaced by A.
Protein change: p.Ala268Thr; replaces alanine 268 with threonine.
Molecular consequence: missense variant. On other transcripts: intron variant (1).
Genome position (GRCh38, 1-based): chr4:8,867,938, C>T on the plus strand (G>A on the coding strand, the complement: HMX1 is on the minus strand). VCF-style: chr4-8867938-C-T. GRCh37 (hg19) VCF-style: chr4-8869664-C-T.
Other names: c.394+3283G>A (NM_001306142.2); short protein forms A268T.
Identifiers: ClinVar variation 1519069 (VCV001519069.6), dbSNP rs1240252651, ClinGen allele CA356277784.